The following is an entry in ClinVar:

ClinVar aggregate classification (germline): Uncertain significance (1 of 4 stars; one submission).

Conditions:
Alstrom syndrome (ALMS). Identifiers: Orphanet 64, MedGen C0268425, MONDO:0008763, OMIM 203800.

Allele frequency attached by ClinVar (database versions not stated): gnomAD exomes below 0.00001.
gnomAD v4.1: 1 of 1,614,208 alleles (0.000062%); highest among the groups gnomAD compares: South Asian, 0.0011%; no homozygotes.

Submission:

Labcorp Genetics (formerly Invitae), Labcorp
Classification: Uncertain significance for Alstrom syndrome. Last evaluated: 2023-05-04. Review status: criteria provided, single submitter. Criteria: Invitae Variant Classification Sherloc (09022015). Collection method: clinical testing. Allele origin: germline.
Comment: In summary, the available evidence is currently insufficient to determine the role of this variant in disease. Therefore, it has been classified as a Variant of Uncertain Significance. Algorithms developed to predict the effect of missense changes on protein structure and function output the following: SIFT: "Not Available"; PolyPhen-2: "Not Available"; Align-GVGD: "Not Available". The isoleucine amino acid residue is found in multiple mammalian species, which suggests that this missense change does not adversely affect protein function. This variant has not been reported in the literature in individuals affected with ALMS1-related conditions. This variant is not present in population databases (gnomAD no frequency). This sequence change replaces valine, which is neutral and non-polar, with isoleucine, which is neutral and non-polar, at codon 3964 of the ALMS1 protein (p.Val3964Ile).

NM_001378454.1(ALMS1):c.11887G>A (p.Val3963Ile)

Genes: ALMS1 (ALMS1 centrosome and basal body associated protein; plus strand), LOC126806252 (BRD4-independent group 4 enhancer GRCh37_chr2:73828496-73829695; plus strand). Cytogenetic location: 2p13.1.
Variant type: single nucleotide variant.
Coding change: c.11887G>A on transcript NM_001378454.1 (MANE Select); coding-DNA position 11887, G replaced by A.
Protein change: p.Val3963Ile; replaces valine 3963 with isoleucine.
Molecular consequence: missense variant.
Genome position (GRCh38, 1-based): chr2:73,601,209, G>A. VCF-style: chr2-73601209-G-A. GRCh37 (hg19) VCF-style: chr2-73828336-G-A.
Other names: c.11890G>A, p.Val3964Ile (NM_015120.4); short protein forms V3963I, V3964I.
Identifiers: ClinVar variation 2861926 (VCV002861926.3), dbSNP rs886056319, ClinGen allele CA347265446.
Genomic context (GRCh38, chr2:73,601,209, plus strand): 5'-AAAAAAGTGAAAAATCTGTGTTCCTTCTAAAAACTGTTTCCTGTAGGAGTTTCCTGGTTT[G>A]TTCCTGTGGAAAATGTGGAGTCTAGATCAAAGAAGGAAAACGTGCCTAACACTTGTGGCC-3'
Protein context (NP_001365383.1, residues 3953-3973): KNSHEGVSWF[Val3963Ile]PVENVESRSK